The following is an entry in ClinVar:

NM_006035.4(CDC42BPB):c.1870A>C (p.Lys624Gln)

Gene: CDC42BPB (CDC42 binding protein kinase beta; minus strand). Cytogenetic location: 14q32.32.
Variant type: single nucleotide variant.
Coding change: c.1870A>C on transcript NM_006035.4 (MANE Select); coding-DNA position 1870, A replaced by C.
Protein change: p.Lys624Gln; replaces lysine 624 with glutamine.
Molecular consequence: missense variant.
Genome position (GRCh38, 1-based): chr14:102,971,933, T>G on the plus strand (A>C on the coding strand, the complement: CDC42BPB is on the minus strand). VCF-style: chr14-102971933-T-G. GRCh37 (hg19) VCF-style: chr14-103438270-T-G.
Other names: c.1870A>C, p.Lys624Gln (NM_001411054.1); short protein forms K624Q.
Identifiers: ClinVar variation 4885809 (VCV004885809.2).

ClinVar aggregate classification (germline): Uncertain significance (1 of 4 stars; one submission).

gnomAD v4.1: 3 of 1,614,194 alleles (0.00019%); highest among the groups gnomAD compares: Non-Finnish European, 0.00025%; no homozygotes.

Submission:

Dasa
Classification: Uncertain significance. Last evaluated: 2025-08-07. Review status: criteria provided, single submitter. Criteria: DASA Assertion Criteria. Collection method: clinical testing. Allele origin: germline.
Comment: NM_006035.4(CDC42BPB):c.1870A>C (p.Lys624Gln) is a missense variant that results in the substitution of lysine with glutamine. This variant is rare in population databases. The currently available literature and clinical evidence are not sufficient to establish a definitive association between this variant and the reported condition. Therefore, this variant is classified as a variant of uncertain significance.